The following is an entry in ClinVar:

ClinVar aggregate classification (germline): Uncertain significance (1 of 4 stars; one submission).

Conditions:
Combined immunodeficiency due to STIM1 deficiency. Also called: IMMUNODEFICIENCY 10; STIM1 DEFICIENCY. Identifiers: Orphanet 169090, Orphanet 317430, MedGen C2748557, MONDO:0013008, OMIM 612783.
Stormorken syndrome (STRMK). Also called: THROMBOCYTOPATHY, ASPLENIA, AND MIOSIS. Identifiers: Orphanet 3204, MedGen C1861451, MONDO:0008497, OMIM 185070.
Myopathy with tubular aggregates (TAM). Also called: Tubular Aggregate Myopathy. Identifiers: Orphanet 2593, MedGen C0410207, MONDO:0008051.

Allele frequency attached by ClinVar (database versions not stated): ExAC 0.00002; TOPMed 0.00002; gnomAD 0.00013.
gnomAD v4.1: 71 of 1,614,072 alleles (0.0044%); highest among the groups gnomAD compares: African/African-American, 0.0067%; no homozygotes.

Submission:

Labcorp Genetics (formerly Invitae), Labcorp
Classification: Uncertain significance for Myopathy with tubular aggregates; Combined immunodeficiency due to STIM1 deficiency; Stormorken syndrome. Last evaluated: 2025-06-29. Review status: criteria provided, single submitter. Criteria: Invitae Variant Classification Sherloc (09022015). Collection method: clinical testing. Allele origin: germline.
Comment: This sequence change replaces glycine, which is neutral and non-polar, with aspartic acid, which is acidic and polar, at codon 555 of the STIM1 protein (p.Gly555Asp). This variant is present in population databases (rs200525396, gnomAD 0.01%). This variant has not been reported in the literature in individuals affected with STIM1-related conditions. ClinVar contains an entry for this variant (Variation ID: 641926). Invitae Evidence Modeling of protein sequence and biophysical properties (such as structural, functional, and spatial information, amino acid conservation, physicochemical variation, residue mobility, and thermodynamic stability) has been performed for this missense variant. However, the output from this modeling did not meet the statistical confidence thresholds required to predict the impact of this variant on STIM1 protein function. In summary, the available evidence is currently insufficient to determine the role of this variant in disease. Therefore, it has been classified as a Variant of Uncertain Significance.

NM_001382567.1(STIM1):c.1757G>A (p.Gly586Asp)

Gene: STIM1 (stromal interaction molecule 1; plus strand). Cytogenetic location: 11p15.4.
Variant type: single nucleotide variant.
Coding change: c.1757G>A on transcript NM_001382567.1 (MANE Select); coding-DNA position 1757, G replaced by A.
Protein change: p.Gly586Asp; replaces glycine 586 with aspartic acid.
Molecular consequence: missense variant. On other transcripts: 3 prime UTR variant (4), non-coding transcript variant (3).
Genome position (GRCh38, 1-based): chr11:4,091,404, G>A. VCF-style: chr11-4091404-G-A. GRCh37 (hg19) VCF-style: chr11-4112634-G-A.
Other names: c.1982G>A, p.Gly661Asp (NM_001277961.3); c.*78G>A (NM_001277962.2, NM_001382578.1, NM_001382579.1 and 1 more transcripts); c.1760G>A, p.Gly587Asp (NM_001382566.1); c.1685G>A, p.Gly562Asp (NM_001382568.1); c.1529G>A, p.Gly510Asp (NM_001382569.1); c.1436G>A, p.Gly479Asp (NM_001382570.1); c.1184G>A, p.Gly395Asp (NM_001382571.1); c.1442G>A, p.Gly481Asp (NM_001382575.1, NM_001382576.1, NM_001382577.1); and 2 more; short protein forms G555D, G661D, G392D, G395D, G479D, G481D, G510D, G562D.
Identifiers: ClinVar variation 641926 (VCV000641926.9), dbSNP rs200525396, ClinGen allele CA5830606.